The following is an entry in ClinVar:

ClinVar aggregate classification (germline): Uncertain significance (1 of 4 stars; one submission).

gnomAD v4.1: 5 of 1,608,350 alleles (0.00031%); highest among the groups gnomAD compares: Admixed American, 0.0084%; no homozygotes.

Submission:

Labcorp Genetics (formerly Invitae), Labcorp
Classification: Uncertain significance. Last evaluated: 2026-01-05. Review status: criteria provided, single submitter. Criteria: Invitae Variant Classification Sherloc (09022015). Collection method: clinical testing. Allele origin: germline.
Comment: This sequence change replaces asparagine, which is neutral and polar, with lysine, which is basic and polar, at codon 815 of the MYSM1 protein (p.Asn815Lys). This variant is present in population databases (rs772963146, gnomAD 0.02%). This variant has not been reported in the literature in individuals affected with MYSM1-related conditions. ClinVar contains an entry for this variant (Variation ID: 3694235). Invitae Evidence Modeling of protein sequence and biophysical properties (such as structural, functional, and spatial information, amino acid conservation, physicochemical variation, residue mobility, and thermodynamic stability) indicates that this missense variant is not expected to disrupt MYSM1 protein function with a negative predictive value of 80%. In summary, the available evidence is currently insufficient to determine the role of this variant in disease. Therefore, it has been classified as a Variant of Uncertain Significance.

NM_001085487.3(MYSM1):c.2445T>G (p.Asn815Lys)

Gene: MYSM1 (Myb like, SWIRM and MPN domains 1; minus strand). Cytogenetic location: 1p32.1.
Variant type: single nucleotide variant.
Coding change: c.2445T>G on transcript NM_001085487.3 (MANE Select); coding-DNA position 2445, T replaced by G.
Protein change: p.Asn815Lys; replaces asparagine 815 with lysine.
Molecular consequence: missense variant.
Genome position (GRCh38, 1-based): chr1:58,660,039, A>C on the plus strand (T>G on the coding strand, the complement: MYSM1 is on the minus strand). VCF-style: chr1-58660039-A-C. GRCh37 (hg19) VCF-style: chr1-59125711-A-C.
Other names: short protein forms N815K.
Identifiers: ClinVar variation 3694235 (VCV003694235.2).